The following is an entry in ClinVar:

ClinVar aggregate classification (germline): Likely pathogenic (1 of 4 stars; one submission).

Conditions:
2-aminoadipic 2-oxoadipic aciduria (AAKAD). Also called: Aminoadipic aciduria; ALPHA-AMINOADIPIC AND ALPHA-KETOADIPIC ACIDURIA. Identifiers: Orphanet 79154, MedGen C1859817, MONDO:0008774, OMIM 204750.

Allele frequency attached by ClinVar (database versions not stated): gnomAD exomes below 0.00001.
gnomAD v4.1: 4 of 1,614,050 alleles (0.00025%); highest among the groups gnomAD compares: Non-Finnish European, 0.00034%; no homozygotes.

Submission:

Labcorp Genetics (formerly Invitae), Labcorp
Classification: Likely pathogenic for 2-aminoadipic 2-oxoadipic aciduria. Last evaluated: 2022-10-01. Review status: criteria provided, single submitter. Criteria: Invitae Variant Classification Sherloc (09022015). Collection method: clinical testing. Allele origin: germline.
Comment: Algorithms developed to predict the effect of sequence changes on RNA splicing suggest that this variant may disrupt the consensus splice site. This variant has not been reported in the literature in individuals affected with DHTKD1-related conditions. This variant is present in population databases (no rsID available, gnomAD 0.0009%). This sequence change affects a donor splice site in intron 2 of the DHTKD1 gene. It is expected to disrupt RNA splicing. Variants that disrupt the donor or acceptor splice site typically lead to a loss of protein function (PMID: 16199547), and loss-of-function variants in DHTKD1 are known to be pathogenic (PMID: 23141293, 25860818). In summary, the currently available evidence indicates that the variant is pathogenic, but additional data are needed to prove that conclusively. Therefore, this variant has been classified as Likely Pathogenic.

Literature cited by the submitters: PubMed 16199547; PubMed 23141293; PubMed 25860818.

NM_018706.7(DHTKD1):c.310+2T>C

Gene: DHTKD1 (dehydrogenase E1 and transketolase domain containing 1; plus strand). Cytogenetic location: 10p14.
Variant type: single nucleotide variant.
Coding change: c.310+2T>C on transcript NM_018706.7 (MANE Select); the canonical splice donor site of the intron after coding-DNA position 310, T replaced by C.
Molecular consequence: splice donor variant.
Genome position (GRCh38, 1-based): chr10:12,081,629, T>C. VCF-style: chr10-12081629-T-C. GRCh37 (hg19) VCF-style: chr10-12123628-T-C.
Identifiers: ClinVar variation 2001269 (VCV002001269.4), dbSNP rs1364396346, ClinGen allele CA376014917.